The following is an entry in ClinVar:

ClinVar aggregate classification (germline): Likely benign (1 of 4 stars; one submission).

Conditions:
Cardiomyopathy (CMYO). Also called: Cardiomyopathies. Identifiers: Orphanet 167848, MedGen C0878544, MONDO:0004994, HP:0001638. Inheritance: Various modes of inheritance.

Submission:

All of Us Research Program, National Institutes of Health
Classification: Likely benign for Cardiomyopathy. Last evaluated: 2024-07-29. Review status: criteria provided, single submitter. Criteria: ACMG Guidelines, 2015. Collection method: clinical testing. Allele origin: germline. Inheritance: Autosomal dominant inheritance. Observed: 1 variant allele, 1 heterozygote.
Comment: This study involves interpretation of variants in research participants for the purpose of population health screening. Participant phenotype was not available at the time of variant classification. Additional details can be found in publication PMID: 35346344, PMCID: PMC8962531

NM_000257.4(MYH7):c.4520-10C>T

Genes: MHRT (myosin heavy chain associated RNA transcript; plus strand), MYH7 (myosin heavy chain 7; minus strand). Cytogenetic location: 14q11.2.
Variant type: single nucleotide variant.
Coding change: c.4520-10C>T on transcript NM_000257.4 (MANE Select); 10 bases into the intron before coding-DNA position 4520, C replaced by T.
Molecular consequence: intron variant. On other transcripts: non-coding transcript variant (1).
Genome position (GRCh38, 1-based): chr14:23,417,002, G>A on the plus strand (C>T on the coding strand, the complement: MYH7 is on the minus strand). VCF-style: chr14-23417002-G-A. GRCh37 (hg19) VCF-style: chr14-23886211-G-A.
Other names: c.4520-10C>T (NM_001407004.1).
Identifiers: ClinVar variation 3387294 (VCV003387294.1).